The following is an entry in ClinVar:

ClinVar aggregate classification (germline): Pathogenic (1 of 4 stars; one submission).

Conditions:
Glycogen storage disease, type II (IOPD). Also called: CARDIOMEGALIA GLYCOGENICA DIFFUSA; GLYCOGENOSIS, GENERALIZED, CARDIAC FORM; GSD II; Glycogen storage disease type 2; Acid maltase deficiency disease; Aglucosidase alfa. Identifiers: Orphanet 365, MedGen C0017921, MONDO:0009290, OMIM 232300.

Submission:

Myriad Genetics, Inc.
Classification: Pathogenic for Glycogen storage disease, type II. Last evaluated: 2026-02-18. Review status: criteria provided, single submitter. Criteria: Myriad Autosomal Dominant, Autosomal Recessive and X-Linked Classification Criteria (2023). Collection method: clinical testing. Allele origin: unknown.
Comment: NM_000152.3(GAA):c.673C>T(Q225*) is expected to be pathogenic in the context of Pompe disease. This variant is predicted to lead to an abnormal or absent protein product due to the creation of a premature termination codon in GAA, a gene where loss-of-function variants are known to be pathogenic. Please note: this variant was assessed in the context of healthy population screening.

NM_000152.5(GAA):c.673C>T (p.Gln225Ter)

Gene: GAA (alpha glucosidase; plus strand). Cytogenetic location: 17q25.3.
Variant type: single nucleotide variant.
Coding change: c.673C>T on transcript NM_000152.5 (MANE Select); coding-DNA position 673, C replaced by T.
Protein change: p.Gln225Ter; replaces glutamine 225 with a stop codon.
Molecular consequence: nonsense.
Genome position (GRCh38, 1-based): chr17:80,105,875, C>T. VCF-style: chr17-80105875-C-T. GRCh37 (hg19) VCF-style: chr17-78079674-C-T.
Other names: c.673C>T, p.Gln225Ter (NM_001079803.3, NM_001079804.3, NM_001406741.1 and 1 more transcripts); short protein forms Q225*.
Identifiers: ClinVar variation 5013199 (VCV005013199.1).